The following is an entry in ClinVar:

NM_001844.5(COL2A1):c.1306C>T (p.Pro436Ser)

Gene: COL2A1 (collagen type II alpha 1 chain; minus strand). Cytogenetic location: 12q13.11.
Variant type: single nucleotide variant.
Coding change: c.1306C>T on transcript NM_001844.5 (MANE Select); coding-DNA position 1306, C replaced by T.
Protein change: p.Pro436Ser; replaces proline 436 with serine.
Molecular consequence: missense variant.
Genome position (GRCh38, 1-based): chr12:47,987,137, G>A on the plus strand (C>T on the coding strand, the complement: COL2A1 is on the minus strand). VCF-style: chr12-47987137-G-A. GRCh37 (hg19) VCF-style: chr12-48380920-G-A.
Other names: c.1099C>T, p.Pro367Ser (NM_033150.3); short protein forms P367S, P436S.
Identifiers: ClinVar variation 1972423 (VCV001972423.5), dbSNP rs2540151663, ClinGen allele CA384553928.

ClinVar aggregate classification (germline): Uncertain significance (1 of 4 stars; one submission).

Submission:

Labcorp Genetics (formerly Invitae), Labcorp
Classification: Uncertain significance. Last evaluated: 2022-07-09. Review status: criteria provided, single submitter. Criteria: Invitae Variant Classification Sherloc (09022015). Collection method: clinical testing. Allele origin: germline.
Comment: This sequence change replaces proline, which is neutral and non-polar, with serine, which is neutral and polar, at codon 436 of the COL2A1 protein (p.Pro436Ser). This variant is not present in population databases (gnomAD no frequency). This variant has not been reported in the literature in individuals affected with COL2A1-related conditions. Algorithms developed to predict the effect of missense changes on protein structure and function are either unavailable or do not agree on the potential impact of this missense change (SIFT: "Deleterious"; PolyPhen-2: "Not Available"; Align-GVGD: "Class C65"). In summary, the available evidence is currently insufficient to determine the role of this variant in disease. Therefore, it has been classified as a Variant of Uncertain Significance.